The following is an entry in ClinVar:

NM_000518.4(HBB):c.386C>A (p.Ala129Asp)

Genes: HBB (hemoglobin subunit beta; minus strand), LOC107133510 (origin of replication at HBB; plus strand), LOC110006319 (beta-globin gene 3' regulatory region; plus strand). Cytogenetic location: 11p15.4.
Variant type: single nucleotide variant.
Coding change: c.386C>A on transcript NM_000518.4; coding-DNA position 386, C replaced by A.
Protein change: p.Ala129Asp; replaces alanine 129 with aspartic acid.
Molecular consequence: missense variant (on NM_000518.5).
Genome position (GRCh38, 1-based): chr11:5,225,656, G>T on the plus strand (C>A on the coding strand, the complement: HBB is on the minus strand). VCF-style: chr11-5225656-G-T. GRCh37 (hg19) VCF-style: chr11-5246886-G-T.
Other names: A128D; c.386C>A, p.Ala129Asp (NM_000518.5); short protein forms A129D.
Identifiers: ClinVar variation 15220 (VCV000015220.3), dbSNP rs33957286, ClinGen allele CA124949.

ClinVar aggregate classification (germline): Uncertain significance. Review status: criteria provided, single submitter (1 of 4 stars). 2 submissions from 2 submitters: Uncertain significance (1). 1 of the submissions does not count toward it. Last evaluated 2025-10-14.

Conditions:
HEMOGLOBIN J (GUANTANAMO).

Submissions (2):

Quest Diagnostics Nichols Institute San Juan Capistrano
Classification: Uncertain significance. Last evaluated: 2025-10-14. Review status: criteria provided, single submitter. Criteria: Quest Diagnostics criteria. Collection method: clinical testing. Allele origin: unknown.
Comment: The HBB c.386C>A (p.Ala129Asp) variant, also known as Hb J-Guantanamo, has been reported in the published literature to be mildly unstable and observed in individuals with mild hemolytic anemia (PMID: 849451 (1977)) as well as in reportedly healthy individuals (PMID: 3384711 (1998), 8226098 (1993)). This variant has not been reported in large, multi-ethnic general populations (Genome Aggregation Database). Analysis of this variant using bioinformatics tools for the prediction of the effect of amino acid changes on protein structure and function yielded predictions that this variant is damaging. Based on the available information, we are unable to determine the clinical significance of this variant.

OMIM
Classification: other for HEMOGLOBIN J (GUANTANAMO). Last evaluated: 2017-12-12. Review status: no assertion criteria provided. Collection method: literature only. Allele origin: germline. Not counted in ClinVar's aggregate classification.

Literature cited by the submitters: PubMed 2384311 (cited by Quest Diagnostics Nichols Institute San Juan Capistrano); PubMed 8226098 (cited by Quest Diagnostics Nichols Institute San Juan Capistrano and OMIM); PubMed 3384711 (cited by Quest Diagnostics Nichols Institute San Juan Capistrano and OMIM); PubMed 2841847 (cited by Quest Diagnostics Nichols Institute San Juan Capistrano and OMIM); PubMed 849451 (cited by Quest Diagnostics Nichols Institute San Juan Capistrano and OMIM); PubMed 3838977 (cited by OMIM).